The following is an entry in ClinVar:

NM_000257.4(MYH7):c.4682C>T (p.Ala1561Val)

Genes: MHRT (myosin heavy chain associated RNA transcript; plus strand), MYH7 (myosin heavy chain 7; minus strand), LOC126861897 (BRD4-independent group 4 enhancer GRCh37_chr14:23884455-23885654; plus strand). Cytogenetic location: 14q11.2.
Variant type: single nucleotide variant.
Coding change: c.4682C>T on transcript NM_000257.4 (MANE Select); coding-DNA position 4682, C replaced by T.
Protein change: p.Ala1561Val; replaces alanine 1561 with valine.
Molecular consequence: missense variant. On other transcripts: non-coding transcript variant (1).
Genome position (GRCh38, 1-based): chr14:23,416,275, G>A on the plus strand (C>T on the coding strand, the complement: MYH7 is on the minus strand). VCF-style: chr14-23416275-G-A. GRCh37 (hg19) VCF-style: chr14-23885484-G-A.
Other names: short protein forms A1561V.
Identifiers: ClinVar variation 926032 (VCV000926032.4), dbSNP rs1566524159, ClinGen allele CA389037867.

ClinVar aggregate classification (germline): Uncertain significance (1 of 4 stars; one submission).

Conditions:
Cardiomyopathy (CMYO). Also called: Cardiomyopathies. Identifiers: Orphanet 167848, MedGen C0878544, MONDO:0004994, HP:0001638. Inheritance: Various modes of inheritance.

Allele frequency attached by ClinVar (database versions not stated): gnomAD exomes below 0.00001.

Submission:

Color Diagnostics, LLC DBA Color Health
Classification: Uncertain significance for Cardiomyopathy. Last evaluated: 2024-03-06. Review status: criteria provided, single submitter. Criteria: ACMG Guidelines, 2015. Collection method: clinical testing. Allele origin: germline.
Comment: This missense variant replaces alanine with valine at codon 1561 of the MYH7 protein. Computational prediction suggests that this variant may not impact protein structure and function (internally defined REVEL score threshold <= 0.5, PMID: 27666373). Splice site prediction tools suggest that this variant may not impact RNA splicing. To our knowledge, functional studies have not been reported for this variant. This variant has not been reported in individuals affected with cardiovascular disorders in the literature. This variant has been identified in 1/251070 chromosomes in the general population by the Genome Aggregation Database (gnomAD). The available evidence is insufficient to determine the role of this variant in disease conclusively. Therefore, this variant is classified as a Variant of Uncertain Significance.